The following is an entry in ClinVar:

NM_007078.3(LDB3):c.897-14T>C

Gene: LDB3 (LIM domain binding 3; plus strand). Cytogenetic location: 10q23.2.
Variant type: single nucleotide variant.
Coding change: c.897-14T>C on transcript NM_007078.3 (MANE Select); 14 bases into the intron before coding-DNA position 897, T replaced by C.
Molecular consequence: intron variant.
Genome position (GRCh38, 1-based): chr10:86,706,517, T>C. VCF-style: chr10-86706517-T-C. GRCh37 (hg19) VCF-style: chr10-88466274-T-C.
Other names: c.897-3388T>C (NM_001368064.1, NM_001368065.1); c.1101-3388T>C (NM_001171610.2); c.756-14T>C (NM_001368066.1); c.756-3388T>C (NM_001080114.2).
Identifiers: ClinVar variation 227499 (VCV000227499.17), dbSNP rs763081924, ClinGen allele CA5585007.

ClinVar aggregate classification (germline): Benign/Likely benign. Review status: criteria provided, multiple submitters, no conflicts (2 of 4 stars). 7 submissions from 7 submitters: Benign (1); Likely benign (4). 2 of the submissions do not count toward it. Last evaluated 2025-08-18.

Conditions:
Myofibrillar myopathy 4. Also called: Zaspopathy (type). Identifiers: Orphanet 98912, MedGen C4721886, MONDO:0012277, OMIM 609452.

Allele frequency attached by ClinVar (database versions not stated): ExAC 0.00008; gnomAD exomes 0.00010 and 0.00011; TOPMed 0.00011; gnomAD 0.00013 and 0.00014.
gnomAD v4.1: 169 of 1,611,028 alleles (0.01%); highest among the groups gnomAD compares: Non-Finnish European, 0.013%; no homozygotes.

Submissions (7):

Labcorp Genetics (formerly Invitae), Labcorp
Classification: Likely benign for Myofibrillar myopathy 4. Last evaluated: 2025-08-18. Review status: criteria provided, single submitter. Criteria: Invitae Variant Classification Sherloc (09022015). Collection method: clinical testing. Allele origin: germline.

Blueprint Genetics
Classification: Likely benign. Last evaluated: 2024-11-05. Review status: criteria provided, single submitter. Criteria: ACMG Guidelines, 2015. Collection method: clinical testing. Allele origin: germline.

Women's Health and Genetics/Laboratory Corporation of America, LabCorp
Classification: Benign. Last evaluated: 2023-04-26. Review status: criteria provided, single submitter. Criteria: LabCorp Variant Classification Summary - May 2015. Collection method: clinical testing. Allele origin: germline.

GeneDx
Classification: Likely benign. Last evaluated: 2016-12-06. Review status: criteria provided, single submitter. Criteria: GeneDx Variant Classification (06012015). Collection method: clinical testing. Allele origin: germline. Affected: yes.
Comment: This variant is considered likely benign or benign based on one or more of the following criteria: it is a conservative change, it occurs at a poorly conserved position in the protein, it is predicted to be benign by multiple in silico algorithms, and/or has population frequency not consistent with disease.

Laboratory for Molecular Medicine, Mass General Brigham Personalized Medicine
Classification: Likely benign. Last evaluated: 2015-03-30. Review status: criteria provided, single submitter. Criteria: LMM Criteria. Collection method: clinical testing. Allele origin: germline. Observed: 1 variant allele.
Comment: c.897-14T>C in intron 6 of LDB3: This variant is not expected to have clinical s ignificance because a T>C change at this position does not diverge from the spli ce consensus sequence and is therefore unlikely to impact splicing. It has also been identified in 9/64996 of European chromosomes by the Exome Aggregation Cons ortium (ExAC).

Clinical Genetics, Academic Medical Center
Classification: Benign. Review status: no assertion criteria provided. Collection method: clinical testing. Allele origin: germline. Affected: yes. Study: VKGL Data-share Consensus. Not counted in ClinVar's aggregate classification.

Diagnostic Laboratory, Department of Genetics, University Medical Center Groningen
Classification: Likely benign. Review status: no assertion criteria provided. Collection method: clinical testing. Allele origin: germline. Affected: yes. Study: VKGL Data-share Consensus. Not counted in ClinVar's aggregate classification.